The following is an entry in ClinVar:

NM_001378454.1(ALMS1):c.2721C>A (p.Phe907Leu)

Gene: ALMS1 (ALMS1 centrosome and basal body associated protein; plus strand). Cytogenetic location: 2p13.1.
Variant type: single nucleotide variant.
Coding change: c.2721C>A on transcript NM_001378454.1 (MANE Select); coding-DNA position 2721, C replaced by A.
Protein change: p.Phe907Leu; replaces phenylalanine 907 with leucine.
Molecular consequence: missense variant.
Genome position (GRCh38, 1-based): chr2:73,449,248, C>A. VCF-style: chr2-73449248-C-A. GRCh37 (hg19) VCF-style: chr2-73676375-C-A.
Other names: c.2724C>A, p.Phe908Leu (NM_015120.4); short protein forms F908L, F907L.
Identifiers: ClinVar variation 1436725 (VCV001436725.6), dbSNP rs2103776271, ClinGen allele CA347271490.

ClinVar aggregate classification (germline): Uncertain significance (1 of 4 stars; one submission).

Conditions:
Alstrom syndrome (ALMS). Identifiers: Orphanet 64, MedGen C0268425, MONDO:0008763, OMIM 203800.

Submission:

Labcorp Genetics (formerly Invitae), Labcorp
Classification: Uncertain significance for Alstrom syndrome. Last evaluated: 2022-03-08. Review status: criteria provided, single submitter. Criteria: Invitae Variant Classification Sherloc (09022015). Collection method: clinical testing. Allele origin: germline.
Comment: In summary, the available evidence is currently insufficient to determine the role of this variant in disease. Therefore, it has been classified as a Variant of Uncertain Significance. Experimental studies and prediction algorithms are not available or were not evaluated, and the functional significance of this variant is currently unknown. This variant has not been reported in the literature in individuals affected with ALMS1-related conditions. This variant is not present in population databases (gnomAD no frequency). This sequence change replaces phenylalanine with leucine at codon 908 of the ALMS1 protein (p.Phe908Leu). The phenylalanine residue is weakly conserved and there is a small physicochemical difference between phenylalanine and leucine.